The following is an entry in ClinVar:

NM_006306.4(SMC1A):c.2562G>A (p.Lys854=)

Gene: SMC1A (structural maintenance of chromosomes 1A; minus strand). Cytogenetic location: Xp11.22.
Variant type: single nucleotide variant.
Coding change: c.2562G>A on transcript NM_006306.4 (MANE Select); coding-DNA position 2562, G replaced by A.
Protein change: p.Lys854=; no amino-acid change (lysine 854 retained).
Molecular consequence: synonymous variant.
Genome position (GRCh38, 1-based): chrX:53,399,589, C>T on the plus strand (G>A on the coding strand, the complement: SMC1A is on the minus strand). VCF-style: chrX-53399589-C-T. GRCh37 (hg19) VCF-style: chrX-53426511-C-T.
Other names: c.2496G>A, p.Lys832= (NM_001281463.1).
Identifiers: ClinVar variation 4292776 (VCV004292776.1).

ClinVar aggregate classification (germline): Uncertain significance (1 of 4 stars; one submission).

Conditions:
Developmental and epileptic encephalopathy, 85, with or without midline brain defects. Also called: EPILEPTIC ENCEPHALOPATHY, EARLY INFANTILE, 85, WITH OR WITHOUT MIDLINE BRAIN DEFECTS. Identifiers: MedGen C5393312, MONDO:0026771, OMIM 301044.

Submission:

3billion
Classification: Uncertain significance for Developmental and epileptic encephalopathy, 85, with or without midline brain defects. Last evaluated: 2024-07-10. Review status: criteria provided, single submitter. Criteria: ACMG Guidelines, 2015. Collection method: clinical testing. Allele origin: germline. Affected: yes.
Comment: The variant is not observed in the gnomAD v4.0.0 dataset. Predicted Consequence/Location: Synonymous variant In silico tools predict the variant to alter splicing and produce an abnormal transcript [SpliceAI: 0.45 (>=0.2, moderate evidence for spliceogenicity)]. Therefore, this variant is classified as VUS according to the recommendation of ACMG/AMP guideline.